The following is an entry in ClinVar:

ClinVar aggregate classification (germline): Uncertain significance (1 of 4 stars; one submission).

Conditions:
Familial adenomatous polyposis 1 (FAP1). Also called: FAMILIAL ADENOMATOUS POLYPOSIS 1, ATTENUATED; POLYPOSIS, ADENOMATOUS INTESTINAL. Identifiers: MedGen C2713442, MONDO:0021056, OMIM 175100. Disease mechanism: loss of function.

Submission:

Labcorp Genetics (formerly Invitae), Labcorp
Classification: Uncertain significance for Familial adenomatous polyposis 1. Last evaluated: 2021-08-24. Review status: criteria provided, single submitter. Criteria: Invitae Variant Classification Sherloc (09022015). Collection method: clinical testing. Allele origin: germline.
Comment: This variant is not present in population databases (ExAC no frequency). In summary, the available evidence is currently insufficient to determine the role of this variant in disease. Therefore, it has been classified as a Variant of Uncertain Significance. Algorithms developed to predict the effect of missense changes on protein structure and function are either unavailable or do not agree on the potential impact of this missense change (SIFT: "Deleterious"; PolyPhen-2: "Benign"; Align-GVGD: "Class C0"). This variant has not been reported in the literature in individuals affected with APC-related conditions. This sequence change replaces glutamic acid with glycine at codon 2824 of the APC protein (p.Glu2824Gly). The glutamic acid residue is moderately conserved and there is a moderate physicochemical difference between glutamic acid and glycine.

NM_000038.6(APC):c.8471A>G (p.Glu2824Gly)

Gene: APC (APC regulator of Wnt signaling pathway; plus strand). Cytogenetic location: 5q22.2.
Variant type: single nucleotide variant.
Coding change: c.8471A>G on transcript NM_000038.6 (MANE Select); coding-DNA position 8471, A replaced by G.
Protein change: p.Glu2824Gly; replaces glutamic acid 2824 with glycine.
Molecular consequence: missense variant.
Genome position (GRCh38, 1-based): chr5:112,844,065, A>G. VCF-style: chr5-112844065-A-G. GRCh37 (hg19) VCF-style: chr5-112179762-A-G.
Other names: c.8471A>G, p.Glu2824Gly (NM_001127510.3, NM_001354895.2); c.8417A>G, p.Glu2806Gly (NM_001127511.3); c.8525A>G, p.Glu2842Gly (NM_001354896.2); c.8501A>G, p.Glu2834Gly (NM_001354897.2); c.8396A>G, p.Glu2799Gly (NM_001354898.2); c.8387A>G, p.Glu2796Gly (NM_001354899.2); c.8348A>G, p.Glu2783Gly (NM_001354900.2); c.8294A>G, p.Glu2765Gly (NM_001354901.2); and 5 more; short protein forms E2733G, E2783G, E2664G, E2799G, E2806G, E2698G, E2723G, E2765G.
Identifiers: ClinVar variation 1377340 (VCV001377340.6), dbSNP rs2150005947, ClinGen allele CA16039708.